The following is an entry in ClinVar:

NM_000214.3(JAG1):c.269_270del (p.Gly90fs)

Gene: JAG1 (jagged canonical Notch ligand 1; minus strand). Cytogenetic location: 20p12.2.
Variant type: Deletion.
Coding change: c.269_270del on transcript NM_000214.3 (MANE Select); coding-DNA positions 269 to 270, 2 bases deleted (GG; older notation c.269_270delGG).
Protein change: p.Gly90fs; shifts the reading frame from glycine 90.
Molecular consequence: frameshift variant.
Genome position (GRCh38, 1-based): chr20:10,672,818-10,672,819, CC deleted on the plus strand (GG on the coding strand, the reverse complement: JAG1 is on the minus strand); deleting any 2 consecutive bases within chr20:10,672,818-10,672,823 gives the same sequence; the c. name uses the placement nearest the transcript's 3' end. VCF-style (leftmost placement, unchanged base first): chr20-10672817-GCC-G. GRCh37 (hg19) VCF-style: chr20-10653465-GCC-G.
Other names: c.269_270del, p.Gly90fs (LRG_1191t1); short protein forms G90fs.
Identifiers: ClinVar variation 234543 (VCV000234543.1), dbSNP rs863223667, ClinGen allele CA10577621.

ClinVar aggregate classification (germline): Pathogenic (1 of 4 stars; one submission).

Submission:

GeneDx
Classification: Pathogenic. Last evaluated: 2015-09-21. Review status: criteria provided, single submitter. Criteria: GeneDx Variant Classification (06012015). Collection method: clinical testing. Allele origin: germline. Affected: yes.
Comment: The c.269_270delGGinsT mutation in the JAG1 gene not been reported previously as a disease-causing mutation nor as a benign polymorphism, to our knowledge. The c.269_270delGGinsT mutation causes a frameshift starting with codon Glycine 90, changes this amino acid to a Valine residue, and creates a premature Stop codon at position 71 of the new reading frame, denoted p.Gly90ValfsX71. This mutation is predicted to cause loss of normal protein function either through protein truncation or nonsense-mediated mRNA decay. Protein truncating mutations downstream of this mutation have been reported in the Human Gene Mutation Database in association with Alagille syndrome (Stenson et al., 2014), supporting the pathogenicity of more upstream truncating mutations. The c.269_270delGGinsT mutation was not observed in approximately 6500 individuals of European and African American ancestry in the NHLBI Exome Sequencing Project, indicating it is not a common benign variant in these populations. We interpret c.269_270delGGinsT as a disease-causing mutation.